The following is an entry in ClinVar:

NM_007194.4(CHEK2):c.979T>A (p.Tyr327Asn)

Gene: CHEK2 (checkpoint kinase 2; minus strand). Cytogenetic location: 22q12.1.
Variant type: single nucleotide variant.
Coding change: c.979T>A on transcript NM_007194.4 (MANE Select); coding-DNA position 979, T replaced by A.
Protein change: p.Tyr327Asn; replaces tyrosine 327 with asparagine.
Molecular consequence: missense variant.
Genome position (GRCh38, 1-based): chr22:28,699,867, A>T on the plus strand (T>A on the coding strand, the complement: CHEK2 is on the minus strand). VCF-style: chr22-28699867-A-T. GRCh37 (hg19) VCF-style: chr22-29095855-A-T.
Other names: c.1108T>A, p.Tyr370Asn (NM_001005735.3); c.316T>A, p.Tyr106Asn (NM_001257387.3); c.778T>A, p.Tyr260Asn (NM_001349956.3); c.979T>A, p.Tyr327Asn (NM_145862.3); short protein forms Y106N, Y327N, Y260N, Y370N.
Identifiers: ClinVar variation 1768239 (VCV001768239.4), dbSNP rs2145842384, ClinGen allele CA411099620.

ClinVar aggregate classification (germline): Uncertain significance. Review status: criteria provided, multiple submitters, no conflicts (2 of 4 stars). 2 submissions from 2 submitters: Uncertain significance (2). Last evaluated 2024-03-02.

Conditions:
Hereditary cancer-predisposing syndrome. Also called: Hereditary Cancer Syndrome; Hereditary neoplastic syndrome; Neoplastic Syndromes, Hereditary; Tumor predisposition. Identifiers: Orphanet 140162, MedGen C0027672, MeSH D009386, MONDO:0015356.
Familial cancer of breast. Also called: BREAST CANCER, FAMILIAL; hereditary breast carcinoma; Hereditary breast cancer. Identifiers: Orphanet 227535, MedGen C0346153, MONDO:0016419, OMIM 114480. Disease mechanism: loss of function.

Submissions (2):

Labcorp Genetics (formerly Invitae), Labcorp
Classification: Uncertain significance for Familial cancer of breast. Last evaluated: 2024-03-02. Review status: criteria provided, single submitter. Criteria: Invitae Variant Classification Sherloc (09022015). Collection method: clinical testing. Allele origin: germline.
Comment: This sequence change replaces tyrosine, which is neutral and polar, with asparagine, which is neutral and polar, at codon 327 of the CHEK2 protein (p.Tyr327Asn). This variant is not present in population databases (gnomAD no frequency). This variant has not been reported in the literature in individuals affected with CHEK2-related conditions. ClinVar contains an entry for this variant (Variation ID: 1768239). An algorithm developed to predict the effect of missense changes on protein structure and function (PolyPhen-2) suggests that this variant is likely to be disruptive. In summary, the available evidence is currently insufficient to determine the role of this variant in disease. Therefore, it has been classified as a Variant of Uncertain Significance.

Ambry Genetics
Classification: Uncertain significance for Hereditary cancer-predisposing syndrome. Last evaluated: 2022-04-21. Review status: criteria provided, single submitter. Criteria: Ambry Variant Classification Scheme 2023. Collection method: clinical testing. Allele origin: germline.
Comment: The p.Y327N variant (also known as c.979T>A), located in coding exon 8 of the CHEK2 gene, results from a T to A substitution at nucleotide position 979. The tyrosine at codon 327 is replaced by asparagine, an amino acid with dissimilar properties. This amino acid position is conserved. In addition, this alteration is predicted to be deleterious by in silico analysis. Since supporting evidence is limited at this time, the clinical significance of this alteration remains unclear.